The following is an entry in ClinVar:

ClinVar aggregate classification (germline): Uncertain significance (1 of 4 stars; one submission).

Submission:

Labcorp Genetics (formerly Invitae), Labcorp
Classification: Uncertain significance. Last evaluated: 2025-04-26. Review status: criteria provided, single submitter. Criteria: Invitae Variant Classification Sherloc (09022015). Collection method: clinical testing. Allele origin: germline.
Comment: This sequence change falls in intron 9 of the PPP2R1A gene. It does not directly change the encoded amino acid sequence of the PPP2R1A protein. It affects a nucleotide within the consensus splice site. This variant is not present in population databases (gnomAD no frequency). This variant has not been reported in the literature in individuals affected with PPP2R1A-related conditions. Variants that disrupt the consensus splice site are a relatively common cause of aberrant splicing (PMID: 17576681, 9536098). Algorithms developed to predict the effect of sequence changes on RNA splicing suggest that this variant is not likely to affect RNA splicing. In summary, the available evidence is currently insufficient to determine the role of this variant in disease. Therefore, it has been classified as a Variant of Uncertain Significance.

Literature cited by the submitters: PubMed 17576681; PubMed 9536098.

NM_014225.6(PPP2R1A):c.1129-3C>T

Gene: PPP2R1A (protein phosphatase 2 scaffold subunit Aalpha; plus strand). Cytogenetic location: 19q13.41.
Variant type: single nucleotide variant.
Coding change: c.1129-3C>T on transcript NM_014225.6 (MANE Select); 3 bases into the intron before coding-DNA position 1129, C replaced by T.
Molecular consequence: intron variant.
Genome position (GRCh38, 1-based): chr19:52,219,688, C>T. VCF-style: chr19-52219688-C-T. GRCh37 (hg19) VCF-style: chr19-52722941-C-T.
Other names: c.592-3C>T (NM_001363656.2).
Identifiers: ClinVar variation 4811185 (VCV004811185.1).